The following is an entry in ClinVar:

ClinVar aggregate classification (germline): Uncertain significance (1 of 4 stars; one submission).

Submission:

Labcorp Genetics (formerly Invitae), Labcorp
Classification: Uncertain significance. Last evaluated: 2021-04-22. Review status: criteria provided, single submitter. Criteria: Invitae Variant Classification Sherloc (09022015). Collection method: clinical testing. Allele origin: germline.
Comment: This sequence change replaces methionine with lysine at codon 1674 of the SCN3A protein (p.Met1674Lys). The methionine residue is moderately conserved and there is a moderate physicochemical difference between methionine and lysine. This variant is not present in population databases (ExAC no frequency). Algorithms developed to predict the effect of missense changes on protein structure and function are either unavailable or do not agree on the potential impact of this missense change (SIFT: "Deleterious"; PolyPhen-2: "Possibly Damaging"; Align-GVGD: "Class C0"). Algorithms developed to predict the effect of sequence changes on RNA splicing suggest that this variant may create or strengthen a splice site, but this prediction has not been confirmed by published transcriptional studies. This variant has not been reported in the literature in individuals with SCN3A-related conditions. In summary, the available evidence is currently insufficient to determine the role of this variant in disease. Therefore, it has been classified as a Variant of Uncertain Significance.

NM_006922.4(SCN3A):c.5021T>A (p.Met1674Lys)

Gene: SCN3A (sodium voltage-gated channel alpha subunit 3; minus strand). Cytogenetic location: 2q24.3.
Variant type: single nucleotide variant.
Coding change: c.5021T>A on transcript NM_006922.4 (MANE Select); coding-DNA position 5021, T replaced by A.
Protein change: p.Met1674Lys; replaces methionine 1674 with lysine.
Molecular consequence: missense variant.
Genome position (GRCh38, 1-based): chr2:165,091,132, A>T on the plus strand (T>A on the coding strand, the complement: SCN3A is on the minus strand). VCF-style: chr2-165091132-A-T. GRCh37 (hg19) VCF-style: chr2-165947642-A-T.
Other names: c.4874T>A, p.Met1625Lys (NM_001081676.2, NM_001081677.2); short protein forms M1625K, M1674K.
Identifiers: ClinVar variation 1389544 (VCV001389544.8), dbSNP rs1685080367, ClinGen allele CA349017619.